The following is an entry in ClinVar:

NM_004646.4(NPHS1):c.450G>A (p.Trp150Ter)

Gene: NPHS1 (NPHS1 adhesion molecule, nephrin; minus strand). Cytogenetic location: 19q13.12.
Variant type: single nucleotide variant.
Coding change: c.450G>A on transcript NM_004646.4 (MANE Select); coding-DNA position 450, G replaced by A.
Protein change: p.Trp150Ter; replaces tryptophan 150 with a stop codon.
Molecular consequence: nonsense.
Genome position (GRCh38, 1-based): chr19:35,851,037, C>T on the plus strand (G>A on the coding strand, the complement: NPHS1 is on the minus strand). VCF-style: chr19-35851037-C-T. GRCh37 (hg19) VCF-style: chr19-36341939-C-T.
Other names: short protein forms W150*.
Identifiers: ClinVar variation 1457104 (VCV001457104.7), dbSNP rs2146831207, ClinGen allele CA405410077.

ClinVar aggregate classification (germline): Pathogenic/Likely pathogenic. Review status: criteria provided, multiple submitters, no conflicts (2 of 4 stars). 2 submissions from 2 submitters: Pathogenic (1); Likely pathogenic (1). Last evaluated 2024-03-12.

Conditions:
Finnish congenital nephrotic syndrome (NPHS1). Also called: NEPHROTIC SYNDROME, TYPE 1. Identifiers: Orphanet 839, MedGen C0403399, MONDO:0009732, OMIM 256300.

Submissions (2):

Fulgent Genetics
Classification: Likely pathogenic for Finnish congenital nephrotic syndrome. Last evaluated: 2024-03-12. Review status: criteria provided, single submitter. Criteria: ACMG Guidelines, 2015. Collection method: clinical testing. Allele origin: germline.

Labcorp Genetics (formerly Invitae), Labcorp
Classification: Pathogenic. Last evaluated: 2021-04-23. Review status: criteria provided, single submitter. Criteria: Invitae Variant Classification Sherloc (09022015). Collection method: clinical testing. Allele origin: germline.
Comment: For these reasons, this variant has been classified as Pathogenic. This sequence change creates a premature translational stop signal (p.Trp150*) in the NPHS1 gene. It is expected to result in an absent or disrupted protein product. Loss-of-function variants in NPHS1 are known to be pathogenic (PMID: 11317351, 11854170, 12039988). This variant is not present in population databases (ExAC no frequency). This variant has not been reported in the literature in individuals with NPHS1-related conditions.

Literature cited by the submitters: PubMed 11317351 (cited by Labcorp Genetics (formerly Invitae), Labcorp); PubMed 11854170 (cited by Labcorp Genetics (formerly Invitae), Labcorp); PubMed 12039988 (cited by Labcorp Genetics (formerly Invitae), Labcorp).